The following is an entry in ClinVar:

NM_000059.4(BRCA2):c.8138C>T (p.Thr2713Ile)

Gene: BRCA2 (BRCA2 DNA repair associated; plus strand). Cytogenetic location: 13q13.1.
Variant type: single nucleotide variant.
Coding change: c.8138C>T on transcript NM_000059.4 (MANE Select); coding-DNA position 8138, C replaced by T.
Protein change: p.Thr2713Ile; replaces threonine 2713 with isoleucine.
Molecular consequence: missense variant.
Genome position (GRCh38, 1-based): chr13:32,363,340, C>T. VCF-style: chr13-32363340-C-T. GRCh37 (hg19) VCF-style: chr13-32937477-C-T.
Other names: c.8138C>T (NM_000059.3); short protein forms T2713I.
Identifiers: ClinVar variation 1370824 (VCV001370824.7), dbSNP rs994319321, ClinGen allele CA247477752.

ClinVar aggregate classification (germline): Uncertain significance. Review status: criteria provided, multiple submitters, no conflicts (2 of 4 stars). 2 submissions from 2 submitters: Uncertain significance (2). Last evaluated 2026-04-14.

Conditions:
BRCA2-related disorder. Also called: BRCA2-related condition; BRCA2-related disorders. Identifiers: MedGen CN239275.
Hereditary breast ovarian cancer syndrome. Also called: Hereditary breast and ovarian cancer syndrome; Hereditary breast and ovarian cancer; Hereditary breast and/or ovarian cancer syndrome; Hereditary breast and ovarian cancer syndrome (HBOC); BRCA1- and BRCA2-Associated Hereditary Breast and Ovarian Cancer; Breast and ovarian cancer. Identifiers: Orphanet 145, MedGen C0677776, MeSH D061325, MONDO:0003582. Disease mechanism: loss of function.

Allele frequency attached by ClinVar (database versions not stated): gnomAD 0.00001.
gnomAD v4.1: 1 of 1,613,982 alleles (0.000062%); highest among the groups gnomAD compares: African/African-American, 0.0013%; no homozygotes.

Submissions (2):

PreventionGenetics, part of Exact Sciences
Classification: Uncertain significance for BRCA2-related condition. Last evaluated: 2026-04-14. Review status: criteria provided, single submitter. Criteria: ACMG Guidelines, 2015. Collection method: clinical testing. Allele origin: germline.
Comment: The BRCA2 c.8138C>T variant is predicted to result in the amino acid substitution p.Thr2713Ile. To our knowledge, this variant has not been reported in the literature or in a large population database (gnomAD), indicating this variant is rare. It is classified as uncertain in ClinVar (Variation ID: 1370824). At this time, the clinical significance of this variant is uncertain due to the absence of conclusive functional and genetic evidence.

Labcorp Genetics (formerly Invitae), Labcorp
Classification: Uncertain significance for Hereditary breast ovarian cancer syndrome. Last evaluated: 2021-07-29. Review status: criteria provided, single submitter. Criteria: Invitae Variant Classification Sherloc (09022015). Collection method: clinical testing. Allele origin: germline.
Comment: In summary, the available evidence is currently insufficient to determine the role of this variant in disease. Therefore, it has been classified as a Variant of Uncertain Significance. Advanced modeling of protein sequence and biophysical properties (such as structural, functional, and spatial information, amino acid conservation, physicochemical variation, residue mobility, and thermodynamic stability) performed at Invitae indicates that this missense variant is not expected to disrupt BRCA2 protein function. This variant has not been reported in the literature in individuals affected with BRCA2-related conditions. This variant is not present in population databases (ExAC no frequency). This sequence change replaces threonine with isoleucine at codon 2713 of the BRCA2 protein (p.Thr2713Ile). The threonine residue is weakly conserved and there is a moderate physicochemical difference between threonine and isoleucine.